The following is an entry in ClinVar:

ClinVar aggregate classification (germline): Pathogenic (1 of 4 stars; one submission).

Submission:

Labcorp Genetics (formerly Invitae), Labcorp
Classification: Pathogenic. Last evaluated: 2022-11-10. Review status: criteria provided, single submitter. Criteria: Invitae Variant Classification Sherloc (09022015). Collection method: clinical testing. Allele origin: unknown.
Comment: For these reasons, this variant has been classified as Pathogenic. This variant disrupts the triple helix domain of COL4A5. Glycine residues within the Gly-Xaa-Yaa repeats of the triple helix domain are required for the structure and stability of fibrillar collagens (PMID: 7695699, 8218237, 19344236). In COL4A5, missense variants at these glycine residues are significantly enriched in individuals with disease (PMID: 23720012, 27627812) compared to the general population (ExAC). This variant has not been reported in the literature in individuals affected with COL4A5-related conditions. This variant results in the deletion of part of exon 29 (c.2352_2395+20del) of the COL4A5 gene. It is expected to disrupt RNA splicing. Variants that disrupt the donor or acceptor splice site typically lead to a loss of protein function (PMID: 16199547), and loss-of-function variants in COL4A5 are known to be pathogenic (PMID: 9195222, 10752524, 14514738, 24854265, 26809805).

Literature cited by the submitters: PubMed 7695699; PubMed 8218237; PubMed 19344236; PubMed 23720012; PubMed 27627812; PubMed 16199547; PubMed 9195222; PubMed 10752524; PubMed 14514738; PubMed 24854265; PubMed 26809805.

NC_000023.10:g.(?_107850079)_(107850142_?)del

Gene: COL4A5 (collagen type IV alpha 5 chain; plus strand). Cytogenetic location: Xq22.3.
Variant type: Deletion.
Identifiers: ClinVar variation 3246321 (VCV003246321.1).